The following is an entry in ClinVar:

NC_000002.11:g.(?_44527110)_(44550550_?)del

Genes: PREPL (prolyl endopeptidase like; minus strand), SLC3A1 (solute carrier family 3 member 1; plus strand). Cytogenetic location: 2p21.
Variant type: Deletion.
Identifiers: ClinVar variation 1459037 (VCV001459037.5).

ClinVar aggregate classification (germline): Pathogenic (1 of 4 stars; one submission).

Conditions:
Cystinuria (CSNU). Also called: CYSTINURIA, TYPE I; CYSTINURIA, TYPE II; CYSTINURIA, TYPE III; Cystinuria, non-type I. Identifiers: Orphanet 214, MedGen C0010691, MONDO:0009067, OMIM 220100, HP:0003131.

Submission:

Labcorp Genetics (formerly Invitae), Labcorp
Classification: Pathogenic for Cystinuria. Last evaluated: 2021-08-12. Review status: criteria provided, single submitter. Criteria: Invitae Variant Classification Sherloc (09022015). Collection method: clinical testing. Allele origin: germline.
Comment: This variant is a gross deletion of the genomic region encompassing exon(s) 5-10 of the SLC3A1 gene, which includes the termination codon. This deletion extends beyond the assayed region for this gene and therefore may encompass additional genes. If PREPL has been tested and no copy number events are reported for it, then the 3' boundary of this event lies between the SLC3A1 and PREPL genes. This deletion is expected to alter mRNA translation or to result in a truncated or absent protein product. A similar copy number variant has been observed in individual(s) with cystinuria and hypotonia-cystinuria syndrome (PMID: 8792820, 24610330). This variant disrupts a region of the SLC3A1 protein in which other variant(s) (deletion of exon 10) have been determined to be pathogenic (PMID: 10737983, 19782624). This suggests that this is a clinically significant region of the protein, and that variants that disrupt it are likely to be disease-causing. For these reasons, this variant has been classified as Pathogenic.

Literature cited by the submitters: PubMed 8792820; PubMed 24610330; PubMed 10737983; PubMed 19782624.